The following is an entry in ClinVar:

NM_024675.4(PALB2):c.2784G>A (p.Val928=)

Gene: PALB2 (partner and localizer of BRCA2; minus strand). Cytogenetic location: 16p12.2.
Variant type: single nucleotide variant.
Coding change: c.2784G>A on transcript NM_024675.4 (MANE Select); coding-DNA position 2784, G replaced by A.
Protein change: p.Val928=; no amino-acid change (valine 928 retained).
Molecular consequence: synonymous variant.
Genome position (GRCh38, 1-based): chr16:23,624,059, C>T on the plus strand (G>A on the coding strand, the complement: PALB2 is on the minus strand). VCF-style: chr16-23624059-C-T. GRCh37 (hg19) VCF-style: chr16-23635380-C-T.
Identifiers: ClinVar variation 460959 (VCV000460959.19), dbSNP rs763411245, ClinGen allele CA7963485.

ClinVar aggregate classification (germline): Benign/Likely benign. Review status: criteria provided, multiple submitters, no conflicts (2 of 4 stars). 7 submissions from 7 submitters: Benign (1); Likely benign (5). 1 of the submissions does not count toward it. Last evaluated 2025-09-22.

Conditions:
Hereditary cancer-predisposing syndrome. Also called: Hereditary neoplastic syndrome; Neoplastic Syndromes, Hereditary; Tumor predisposition; Hereditary Cancer Syndrome. Identifiers: Orphanet 140162, MedGen C0027672, MeSH D009386, MONDO:0015356.
Familial cancer of breast. Also called: BREAST CANCER, FAMILIAL; hereditary breast carcinoma; Hereditary breast cancer. Identifiers: Orphanet 227535, MedGen C0346153, MONDO:0016419, OMIM 114480. Disease mechanism: loss of function.
Pancreatic cancer, susceptibility to, 3. Identifiers: Orphanet 1333, MedGen C3150547, MONDO:0013236, OMIM 613348.
Fanconi anemia complementation group N. Also called: PALB2-Related Fanconi Anemia. Identifiers: Orphanet 84, MedGen C1835817, MONDO:0012565, OMIM 610832. Disease mechanism: loss of function.

Allele frequency attached by ClinVar (database versions not stated): ExAC 0.00003; gnomAD exomes below 0.00001; gnomAD 0.00001; TOPMed 0.00001.
gnomAD v4.1: 2 of 1,607,978 alleles (0.00012%); highest among the groups gnomAD compares: African/African-American, 0.0013%; no homozygotes.

Submissions (7):

Labcorp Genetics (formerly Invitae), Labcorp
Classification: Likely benign for Familial cancer of breast. Last evaluated: 2025-09-22. Review status: criteria provided, single submitter. Criteria: Invitae Variant Classification Sherloc (09022015). Collection method: clinical testing. Allele origin: germline.

Myriad Genetics, Inc.
Classification: Benign for Familial cancer of breast. Last evaluated: 2025-01-17. Review status: criteria provided, single submitter. Criteria: Myriad Autosomal Dominant, Autosomal Recessive and X-Linked Classification Criteria (2023). Collection method: clinical testing. Allele origin: unknown.
Comment: This variant is considered benign. This variant is a silent/synonymous amino acid change and it is not expected to impact splicing.

Quest Diagnostics Nichols Institute San Juan Capistrano
Classification: Likely benign. Last evaluated: 2022-11-03. Review status: criteria provided, single submitter. Criteria: Quest Diagnostics criteria. Collection method: clinical testing. Allele origin: unknown.

Fulgent Genetics
Classification: Likely benign for Familial cancer of breast; Fanconi anemia complementation group N; Pancreatic cancer, susceptibility to, 3. Last evaluated: 2021-09-28. Review status: criteria provided, single submitter. Criteria: ACMG Guidelines, 2015. Collection method: clinical testing. Allele origin: unknown.

Ambry Genetics
Classification: Likely benign for Hereditary cancer-predisposing syndrome. Last evaluated: 2019-05-14. Review status: criteria provided, single submitter. Criteria: Ambry Variant Classification Scheme 2023. Collection method: clinical testing. Allele origin: germline.

Color Diagnostics, LLC DBA Color Health
Classification: Likely benign for Hereditary cancer-predisposing syndrome. Last evaluated: 2018-07-03. Review status: criteria provided, single submitter. Criteria: ACMG Guidelines, 2015. Collection method: clinical testing. Allele origin: germline.

Leiden Open Variation Database
Classification: Uncertain significance. Last evaluated: 2018-08-25. Review status: no assertion criteria provided. Collection method: curation. Allele origin: germline. Affected: yes. Not counted in ClinVar's aggregate classification.
Comment: Curators: Marc Tischkowitz, Arleen D. Auerbach. Submitter to LOVD: Yukihide Momozawa.

Literature cited by the submitters: PubMed 30287823 (cited by Quest Diagnostics Nichols Institute San Juan Capistrano and Leiden Open Variation Database).